The following is an entry in ClinVar:

ClinVar aggregate classification (germline): Uncertain significance. Review status: criteria provided, multiple submitters, no conflicts (2 of 4 stars). 4 submissions from 4 submitters: Uncertain significance (4). Last evaluated 2025-11-10.

Conditions:
Cardiovascular phenotype. Identifiers: MedGen CN230736.
Charcot-Marie-Tooth disease type 2. Also called: Charcot-Marie-Tooth type 2. Identifiers: Orphanet 64746, MedGen C0270914, MONDO:0018993.
Primary dilated cardiomyopathy (DCM). Also called: Dilated Cardiomyopathy. Identifiers: Orphanet 217604, MedGen C0007193, MeSH D002311, MONDO:0005021, HP:0001644. Inheritance: Various modes of inheritance.
Cardiomyopathy (CMYO). Also called: Cardiomyopathies. Identifiers: Orphanet 167848, MedGen C0878544, MONDO:0004994, HP:0001638. Inheritance: Various modes of inheritance.

Allele frequency attached by ClinVar (database versions not stated): gnomAD exomes below 0.00001; ExAC 0.00001; ESP Exome Variant Server 0.00008; TOPMed 0.00001.
gnomAD v4.1: 2 of 1,613,310 alleles (0.00012%); highest among the groups gnomAD compares: Non-Finnish European, 0.00017%; no homozygotes.

Submissions (4):

Color Diagnostics, LLC DBA Color Health
Classification: Uncertain significance for Cardiomyopathy. Last evaluated: 2025-11-10. Review status: criteria provided, single submitter. Criteria: ACMG Guidelines, 2015. Collection method: clinical testing. Allele origin: germline.
Comment: This missense variant replaces serine with proline at codon 613 of the LMNA protein. Computational prediction suggests that this variant may not impact protein structure and function. To our knowledge, functional studies have not been reported for this variant. This variant has not been reported in individuals affected with LMNA-related disorders in the literature. This variant has been identified in 2/1613310 chromosomes in the general population by the Genome Aggregation Database (gnomAD). The available evidence is insufficient to determine the role of this variant in disease conclusively. Therefore, this variant is classified as a Variant of Uncertain Significance.

Labcorp Genetics (formerly Invitae), Labcorp
Classification: Uncertain significance for Charcot-Marie-Tooth disease type 2. Last evaluated: 2025-02-18. Review status: criteria provided, single submitter. Criteria: Invitae Variant Classification Sherloc (09022015). Collection method: clinical testing. Allele origin: germline.
Comment: This sequence change replaces serine, which is neutral and polar, with proline, which is neutral and non-polar, at codon 613 of the LMNA protein (p.Ser613Pro). This variant is present in population databases (rs147627124, gnomAD 0.0009%). This variant has not been reported in the literature in individuals affected with LMNA-related conditions. ClinVar contains an entry for this variant (Variation ID: 1331815). Invitae Evidence Modeling of protein sequence and biophysical properties (such as structural, functional, and spatial information, amino acid conservation, physicochemical variation, residue mobility, and thermodynamic stability) indicates that this missense variant is expected to disrupt LMNA protein function with a positive predictive value of 95%. In summary, the available evidence is currently insufficient to determine the role of this variant in disease. Therefore, it has been classified as a Variant of Uncertain Significance.

All of Us Research Program, National Institutes of Health
Classification: Uncertain significance for Primary dilated cardiomyopathy. Last evaluated: 2023-05-31. Review status: criteria provided, single submitter. Criteria: ACMG Guidelines, 2015. Collection method: clinical testing. Allele origin: germline. Inheritance: Autosomal dominant inheritance. Observed: 1 variant allele, 1 heterozygote.
Comment: This missense variant replaces serine with proline at codon 613 of the lamin A protein. Computational prediction suggests that this variant may not impact protein structure and function (internally defined REVEL score threshold <= 0.5, PMID: 27666373). This variant represents a single nucleotide substitution in the 3' untranslated region of the lamin C transcript (ENST00000361308: c.*862T>C). To our knowledge, functional studies have not been reported for this variant. This variant has not been reported in individuals affected with cardiovascular disorders in the literature. This variant has been identified in 1/247724 chromosomes in the general population by the Genome Aggregation Database (gnomAD). The available evidence is insufficient to determine the role of this variant in disease conclusively. Therefore, this variant is classified as a Variant of Uncertain Significance.

This study involves interpretation of variants in research participants for the purpose of population health screening. Participant phenotype was not available at the time of variant classification. Additional details can be found in publication PMID: 35346344, PMCID: PMC8962531

Ambry Genetics
Classification: Uncertain significance for Cardiovascular phenotype. Last evaluated: 2022-03-16. Review status: criteria provided, single submitter. Criteria: Ambry Variant Classification Scheme 2023. Collection method: clinical testing. Allele origin: germline.
Comment: The p.S613P variant (also known as c.1837T>C), located in coding exon 11 of the LMNA gene, results from a T to C substitution at nucleotide position 1837. The serine at codon 613 is replaced by proline, an amino acid with similar properties. This amino acid position is well conserved in available vertebrate species. In addition, the in silico prediction for this alteration is inconclusive. Since supporting evidence is limited at this time, the clinical significance of this alteration remains unclear.

Literature cited by the submitters: PubMed 28679633 (cited by Ambry Genetics).

NM_170707.4(LMNA):c.1837T>C (p.Ser613Pro)

Gene: LMNA (lamin A/C; plus strand). Cytogenetic location: 1q22.
Variant type: single nucleotide variant.
Coding change: c.1837T>C on transcript NM_170707.4 (MANE Select); coding-DNA position 1837, T replaced by C.
Protein change: p.Ser613Pro; replaces serine 613 with proline.
Molecular consequence: missense variant. On other transcripts: intron variant (1).
Genome position (GRCh38, 1-based): chr1:156,138,626, T>C. VCF-style: chr1-156138626-T-C. GRCh37 (hg19) VCF-style: chr1-156108417-T-C.
Other names: c.1501T>C, p.Ser501Pro (NM_001257374.3); c.1747T>C, p.Ser583Pro (NM_170708.4); c.1818+19T>C (NM_001282626.2); short protein forms S501P, S583P, S613P.
Identifiers: ClinVar variation 1331815 (VCV001331815.13), dbSNP rs147627124, ClinGen allele CA051404.